The following is an entry in ClinVar:

ClinVar aggregate classification (germline): Pathogenic (1 of 4 stars; one submission).

Conditions:
Ataxia-telangiectasia syndrome (AT). Also called: Cerebello-oculocutaneous telangiectasia; Immunodeficiency with ataxia telangiectasia; Ataxia-telangiectasia, complementation group E; LOUIS-BAR SYNDROME; AT, COMPLEMENTATION GROUP C; ATAXIA-TELANGIECTASIA, COMPLEMENTATION GROUP A. Identifiers: Orphanet 100, MedGen C0004135, MONDO:0008840, OMIM 208900.

Submission:

Labcorp Genetics (formerly Invitae), Labcorp
Classification: Pathogenic for Ataxia-telangiectasia syndrome. Last evaluated: 2026-01-07. Review status: criteria provided, single submitter. Criteria: Invitae Variant Classification Sherloc (09022015). Collection method: clinical testing. Allele origin: germline.
Comment: This sequence change creates a premature translational stop signal (p.Leu1809Hisfs*2) in the ATM gene. It is expected to result in an absent or disrupted protein product. Loss-of-function variants in ATM are known to be pathogenic (PMID: 23807571, 25614872). This variant is not present in population databases (gnomAD no frequency). This variant has not been reported in the literature in individuals affected with ATM-related conditions. Algorithms developed to predict the effect of sequence changes on RNA splicing suggest that this variant may disrupt the consensus splice site. For these reasons, this variant has been classified as Pathogenic.

Literature cited by the submitters: PubMed 23807571; PubMed 25614872.

NM_000051.4(ATM):c.5424_5425dup (p.Leu1809fs)

Gene: ATM (ATM serine/threonine kinase; plus strand). Cytogenetic location: 11q22.3.
Variant type: Microsatellite.
Coding change: c.5424_5425dup on transcript NM_000051.4 (MANE Select); coding-DNA positions 5424 to 5425, 2 bases duplicated (AC; older notation c.5424_5425dupAC).
Protein change: p.Leu1809fs; shifts the reading frame from leucine 1809.
Molecular consequence: frameshift variant.
Genome position (GRCh38, 1-based): chr11:108,302,957-108,302,958, AC duplicated; duplicating any 2 consecutive bases within chr11:108,302,955-108,302,958 gives the same sequence; the c. name uses the placement nearest the transcript's 3' end. VCF-style (leftmost placement, unchanged base first): chr11-108302954-G-GAC. GRCh37 (hg19) VCF-style: chr11-108173681-G-GAC.
Other names: c.5424_5425dup, p.Leu1809fs (NM_001351834.2); short protein forms L1809fs.
Identifiers: ClinVar variation 4734784 (VCV004734784.1).
Genomic context (GRCh38, chr11:108,302,954, plus strand): 5'-AGGCCTGGATGATATAAATCTGTGGATTCCTCTAAGTGAAAATCATGACATTTGGATAAA[G>GAC]ACACTGACTTGTGCTTTTTTGGACAGTGGAGGCACAAAATGTGAAATTCTTCAATTATTA-3'